The following is an entry in ClinVar:

NM_001366385.1(CARD14):c.1939G>C (p.Asp647His)

Genes: CARD14 (caspase recruitment domain family member 14; plus strand), SGSH (N-sulfoglucosamine sulfohydrolase; minus strand). Cytogenetic location: 17q25.3.
Variant type: single nucleotide variant.
Coding change: c.1939G>C on transcript NM_001366385.1 (MANE Select); coding-DNA position 1939, G replaced by C.
Protein change: p.Asp647His; replaces aspartic acid 647 with histidine.
Molecular consequence: missense variant. On other transcripts: non-coding transcript variant (1).
Genome position (GRCh38, 1-based): chr17:80,201,831, G>C. VCF-style: chr17-80201831-G-C. GRCh37 (hg19) VCF-style: chr17-78175630-G-C.
Other names: c.1939G>C, p.Asp647His (NM_001257970.1, NM_024110.4); short protein forms D647H.
Identifiers: ClinVar variation 1490790 (VCV001490790.6), dbSNP rs1225307467, ClinGen allele CA401352628.

ClinVar aggregate classification (germline): Uncertain significance (1 of 4 stars; one submission).

Conditions:
Psoriasis 2. Identifiers: MedGen C1864497, MONDO:0011269, OMIM 602723.
Pityriasis rubra pilaris (PRP). Also called: Pityriasis rubra pilaris--familial type. Identifiers: Orphanet 2897, MedGen C0032027, MONDO:0100017, OMIM 173200, MONDO:0008251.

Allele frequency attached by ClinVar (database versions not stated): gnomAD exomes 0.00001.
gnomAD v4.1: 6 of 1,614,036 alleles (0.00037%); highest among the groups gnomAD compares: Non-Finnish European, 0.00042%; no homozygotes.

Submission:

Labcorp Genetics (formerly Invitae), Labcorp
Classification: Uncertain significance for Pityriasis rubra pilaris; Psoriasis 2. Last evaluated: 2021-10-20. Review status: criteria provided, single submitter. Criteria: Invitae Variant Classification Sherloc (09022015). Collection method: clinical testing. Allele origin: germline.
Comment: In summary, the available evidence is currently insufficient to determine the role of this variant in disease. Therefore, it has been classified as a Variant of Uncertain Significance. Algorithms developed to predict the effect of missense changes on protein structure and function are either unavailable or do not agree on the potential impact of this missense change (SIFT: "Deleterious"; PolyPhen-2: "Benign"; Align-GVGD: "Class C0"). This variant has not been reported in the literature in individuals affected with CARD14-related conditions. This variant is not present in population databases (ExAC no frequency). This sequence change replaces aspartic acid with histidine at codon 647 of the CARD14 protein (p.Asp647His). The aspartic acid residue is weakly conserved and there is a moderate physicochemical difference between aspartic acid and histidine.